The following is an entry in ClinVar:

NM_005228.5(EGFR):c.747+6A>G

Gene: EGFR (epidermal growth factor receptor; plus strand). Cytogenetic location: 7p11.2.
Variant type: single nucleotide variant.
Coding change: c.747+6A>G on transcript NM_005228.5 (MANE Select); 6 bases into the intron after coding-DNA position 747, A replaced by G.
Molecular consequence: intron variant.
Genome position (GRCh38, 1-based): chr7:55,152,670, A>G. VCF-style: chr7-55152670-A-G. GRCh37 (hg19) VCF-style: chr7-55220363-A-G.
Other names: c.612+6A>G (NM_001346899.2, NM_001346897.2); c.89-3160A>G (NM_001346941.2); c.747+6A>G (NM_001346898.2, NM_201284.2, NM_201282.2 and 1 more transcripts); c.588+6A>G (NM_001346900.2).
Identifiers: ClinVar variation 858098 (VCV000858098.7), dbSNP rs376868785, ClinGen allele CA4265330.

ClinVar aggregate classification (germline): Uncertain significance (1 of 4 stars; one submission).

Conditions:
EGFR-related lung cancer (EGFR). Identifiers: MedGen CN130014.

Allele frequency attached by ClinVar (database versions not stated): TOPMed 0.00003; gnomAD 0.00004 and 0.00005; gnomAD exomes 0.00004; ExAC 0.00005; ESP Exome Variant Server 0.00008.
gnomAD v4.1: 50 of 1,612,452 alleles (0.0031%); highest among the groups gnomAD compares: Non-Finnish European, 0.0031%; no homozygotes.

Submission:

Labcorp Genetics (formerly Invitae), Labcorp
Classification: Uncertain significance for EGFR-related lung cancer. Last evaluated: 2025-11-25. Review status: criteria provided, single submitter. Criteria: Invitae Variant Classification Sherloc (09022015). Collection method: clinical testing. Allele origin: germline.
Comment: This sequence change falls in intron 6 of the EGFR gene. It does not directly change the encoded amino acid sequence of the EGFR protein. It affects a nucleotide within the consensus splice site. This variant is present in population databases (rs376868785, gnomAD 0.008%). This variant has not been reported in the literature in individuals affected with EGFR-related conditions. ClinVar contains an entry for this variant (Variation ID: 858098). Variants that disrupt the consensus splice site are a relatively common cause of aberrant splicing (PMID: 17576681, 9536098). Algorithms developed to predict the effect of sequence changes on RNA splicing suggest that this variant is not likely to affect RNA splicing. In summary, the available evidence is currently insufficient to determine the role of this variant in disease. Therefore, it has been classified as a Variant of Uncertain Significance.

Literature cited by the submitters: PubMed 17576681; PubMed 9536098.